The following is an entry in ClinVar:

NM_002878.4(RAD51D):c.457A>G (p.Lys153Glu)

Genes: RAD51D (RAD51 paralog D; minus strand), RAD51L3-RFFL (RAD51L3-RFFL readthrough; minus strand). Cytogenetic location: 17q12.
Variant type: single nucleotide variant.
Coding change: c.457A>G on transcript NM_002878.4 (MANE Select); coding-DNA position 457, A replaced by G.
Protein change: p.Lys153Glu; replaces lysine 153 with glutamic acid.
Molecular consequence: missense variant. On other transcripts: non-coding transcript variant (1), intron variant (1).
Genome position (GRCh38, 1-based): chr17:35,107,011, T>C on the plus strand (A>G on the coding strand, the complement: RAD51D is on the minus strand). VCF-style: chr17-35107011-T-C. GRCh37 (hg19) VCF-style: chr17-33434030-T-C.
Other names: c.517A>G, p.Lys173Glu (NM_001142571.2); c.145-530A>G (NM_133629.3); short protein forms K153E, K173E.
Identifiers: ClinVar variation 4862950 (VCV004862950.1).

ClinVar aggregate classification (germline): Uncertain significance (1 of 4 stars; one submission).

Conditions:
Hereditary cancer-predisposing syndrome. Also called: Neoplastic Syndromes, Hereditary; Tumor predisposition; Hereditary Cancer Syndrome; Hereditary neoplastic syndrome. Identifiers: Orphanet 140162, MedGen C0027672, MeSH D009386, MONDO:0015356.

Submission:

Ambry Genetics
Classification: Uncertain significance for Hereditary cancer-predisposing syndrome. Last evaluated: 2026-04-19. Review status: criteria provided, single submitter. Criteria: Ambry Variant Classification Scheme 2023. Collection method: clinical testing. Allele origin: germline.
Comment: The p.K153E variant (also known as c.457A>G), located in coding exon 5 of the RAD51D gene, results from an A to G substitution at nucleotide position 457. The lysine at codon 153 is replaced by glutamic acid, an amino acid with similar properties. This amino acid position is conserved. In addition, this alteration is predicted to be tolerated by in silico analysis. Based on the available evidence, the clinical significance of this variant remains unclear.